The following is an entry in ClinVar:

NM_000088.4(COL1A1):c.3263G>C (p.Gly1088Ala)

Gene: COL1A1 (collagen type I alpha 1 chain; minus strand). Cytogenetic location: 17q21.33.
Variant type: single nucleotide variant.
Coding change: c.3263G>C on transcript NM_000088.4 (MANE Select); coding-DNA position 3263, G replaced by C.
Protein change: p.Gly1088Ala; replaces glycine 1088 with alanine.
Molecular consequence: missense variant.
Genome position (GRCh38, 1-based): chr17:50,187,982, C>G on the plus strand (G>C on the coding strand, the complement: COL1A1 is on the minus strand). VCF-style: chr17-50187982-C-G. GRCh37 (hg19) VCF-style: chr17-48265343-C-G.
Other names: short protein forms G1088A.
Identifiers: ClinVar variation 4855472 (VCV004855472.1).

ClinVar aggregate classification (germline): Likely pathogenic (1 of 4 stars; one submission).

Conditions:
Osteogenesis imperfecta type III (OI3). Also called: Osteogenesis imperfecta type 3; OI type 3; Osteogenesis imperfecta, progressively deforming with normal sclerae; OI type III; Progressively Deforming Osteogenesis Imperfecta. Identifiers: Orphanet 216812, Orphanet 666, MedGen C0268362, MONDO:0009804, OMIM 259420.

Submission:

3billion
Classification: Likely pathogenic for Osteogenesis imperfecta type III. Last evaluated: 2025-06-18. Review status: criteria provided, single submitter. Criteria: ACMG Guidelines, 2015. Collection method: clinical testing. Allele origin: germline. Affected: yes.
Comment: The variant is not observed in the gnomAD v4.1.0 dataset. Predicted Consequence/Location: The variant is located in a mutational hot spot and/or well-established functional domain in which established pathogenic variants have been reported (PMID: 19344236). In silico tool predictions suggest damaging effect of the variant on gene or gene product [REVEL: 0.99 (>= 0.644, sensitivity 0.68 and specificity 0.92); 3Cnet: 0.99 (>= 0.75, sensitivity 0.96 and precision 0.92)]. The same nucleotide change resulting in the same amino acid change has been previously reported to be associated with COL1A1-related disorder (PMID: 7679635).A different missense change at the same codon (p.Gly1088Glu) has been reported to be associated with COL1A1-related disorder (PMID: 24682174). Therefore, this variant is classified as Likely pathogenic according to the recommendation of ACMG/AMP guideline.

Literature cited by the submitters: PubMed 24682174; PubMed 7679635.